The following is an entry in ClinVar:

NM_000096.4(CP):c.2078-5T>G

Gene: CP (ceruloplasmin; minus strand). Cytogenetic location: 3q24.
Variant type: single nucleotide variant.
Coding change: c.2078-5T>G on transcript NM_000096.4 (MANE Select); 5 bases into the intron before coding-DNA position 2078, T replaced by G.
Molecular consequence: intron variant.
Genome position (GRCh38, 1-based): chr3:149,185,451, A>C on the plus strand (T>G on the coding strand, the complement: CP is on the minus strand). VCF-style: chr3-149185451-A-C. GRCh37 (hg19) VCF-style: chr3-148903238-A-C.
Identifiers: ClinVar variation 2672964 (VCV002672964.23), dbSNP rs2472762785, ClinGen allele CA2553075369.

ClinVar aggregate classification (germline): Uncertain significance (1 of 4 stars; one submission).

Allele frequency attached by ClinVar (database versions not stated): gnomAD exomes below 0.00001.

Submission:

CeGaT Center for Human Genetics Tuebingen
Classification: Uncertain significance. Last evaluated: 2023-11-01. Review status: criteria provided, single submitter. Criteria: CeGaT Center For Human Genetics Tuebingen Variant Classification Criteria Version 2. Collection method: clinical testing. Allele origin: germline. Affected: yes. Observed: 1 variant allele.
Comment: CP: PM2, BP4